The following is an entry in ClinVar:

ClinVar aggregate classification (germline): Likely benign. Review status: criteria provided, multiple submitters, no conflicts (2 of 4 stars). 3 submissions from 3 submitters: Likely benign (3). Last evaluated 2026-08-01.

Conditions:
Cryopyrin associated periodic syndrome (CAPS). Identifiers: Orphanet 208650, MedGen C2316212, MONDO:0016168.

Allele frequency attached by ClinVar (database versions not stated): gnomAD 0.00001 and 0.00002; ExAC 0.00002; gnomAD exomes 0.00002 and 0.00004; TOPMed 0.00010; ESP Exome Variant Server 0.00015.
gnomAD v4.1: 32 of 1,613,942 alleles (0.002%); highest among the groups gnomAD compares: Middle Eastern, 0.016%; no homozygotes.

Submissions (3):

CeGaT Center for Human Genetics Tuebingen
Classification: Likely benign. Last evaluated: 2026-08-01. Review status: criteria provided, single submitter. Criteria: CeGaT Center For Human Genetics Tuebingen Variant Classification Criteria Version 2. Collection method: clinical testing. Allele origin: germline. Affected: yes. Observed: 3 variant alleles.
Comment: NLRP3: BP4, BP7

Labcorp Genetics (formerly Invitae), Labcorp
Classification: Likely benign for Cryopyrin associated periodic syndrome. Last evaluated: 2025-11-24. Review status: criteria provided, single submitter. Criteria: Invitae Variant Classification Sherloc (09022015). Collection method: clinical testing. Allele origin: germline.

Blueprint Genetics
Classification: Likely benign. Last evaluated: 2022-11-04. Review status: criteria provided, single submitter. Criteria: ACMG Guidelines, 2015. Collection method: clinical testing. Allele origin: germline.

NM_001243133.2(NLRP3):c.900C>T (p.Asp300=)

Gene: NLRP3 (NLR family pyrin domain containing 3; plus strand). Cytogenetic location: 1q44.
Variant type: single nucleotide variant.
Coding change: c.900C>T on transcript NM_001243133.2 (MANE Select); coding-DNA position 900, C replaced by T.
Protein change: p.Asp300=; no amino-acid change (aspartic acid 300 retained).
Molecular consequence: synonymous variant.
Genome position (GRCh38, 1-based): chr1:247,424,349, C>T. VCF-style: chr1-247424349-C-T. GRCh37 (hg19) VCF-style: chr1-247587651-C-T.
Other names: c.900C>T, p.Asp300= (NM_001079821.3, NM_001127461.3, NM_001127462.3 and 1 more transcripts); c.906C>T, p.Asp302= (NM_004895.5).
Identifiers: ClinVar variation 536886 (VCV000536886.31), dbSNP rs145826369, ClinGen allele CA1494951.